The following is an entry in ClinVar:

NM_000391.4(TPP1):c.1613C>G (p.Ser538Cys)

Gene: TPP1 (tripeptidyl peptidase 1; minus strand). Cytogenetic location: 11p15.4.
Variant type: single nucleotide variant.
Coding change: c.1613C>G on transcript NM_000391.4 (MANE Select); coding-DNA position 1613, C replaced by G.
Protein change: p.Ser538Cys; replaces serine 538 with cysteine.
Molecular consequence: missense variant.
Genome position (GRCh38, 1-based): chr11:6,614,625, G>C on the plus strand (C>G on the coding strand, the complement: TPP1 is on the minus strand). VCF-style: chr11-6614625-G-C. GRCh37 (hg19) VCF-style: chr11-6635856-G-C.
Other names: short protein forms S538C.
Identifiers: ClinVar variation 567546 (VCV000567546.8), dbSNP rs755878872, ClinGen allele CA5858599.
Genomic context (GRCh38, chr11:6,614,625, plus strand): 5'-TTCAGCAAAGCTGGGAAGTTGGGTGTTCCCCAGCCTGTTACAGGATCCCAGCCAGGACCA[G>C]AGCAGAAACCCTGGCCCTCTACCTCTTCATCCAGACAGGACTCATGGCAGCCACGGGTTA-3'
Protein context (NP_000382.3, residues 528-548): DEEVEGQGFC[Ser538Cys]GPGWDPVTGW

ClinVar aggregate classification (germline): Uncertain significance. Review status: criteria provided, single submitter (1 of 4 stars). 2 submissions from 2 submitters: Uncertain significance (1). 1 of the submissions does not count toward it. Last evaluated 2021-08-20.

Conditions:
Neuronal ceroid lipofuscinosis 2. Also called: TPP1-Related Neuronal Ceroid-Lipofuscinosis; JANSKY-BIELSCHOWSKY DISEASE NEURONAL CEROID LIPOFUSCINOSIS, LATE INFANTILE. Identifiers: Orphanet 168491, Orphanet 228349, Orphanet 79264, MedGen C1876161, MONDO:0008769, OMIM 204500.

Allele frequency attached by ClinVar (database versions not stated): gnomAD exomes below 0.00001 and 0.00002; ExAC 0.00001; gnomAD 0.00001; TOPMed 0.00002.

Submissions (2):

Labcorp Genetics (formerly Invitae), Labcorp
Classification: Uncertain significance. Last evaluated: 2021-08-20. Review status: criteria provided, single submitter. Criteria: Invitae Variant Classification Sherloc (09022015). Collection method: clinical testing. Allele origin: germline.
Comment: This sequence change replaces serine with cysteine at codon 538 of the TPP1 protein (p.Ser538Cys). The serine residue is moderately conserved and there is a moderate physicochemical difference between serine and cysteine. This variant is present in population databases (rs755878872, ExAC 0.01%). This variant has not been reported in the literature in individuals affected with TPP1-related conditions. Algorithms developed to predict the effect of missense changes on protein structure and function are either unavailable or do not agree on the potential impact of this missense change (SIFT: "Deleterious"; PolyPhen-2: "Possibly Damaging"; Align-GVGD: "Class C0"). In summary, the available evidence is currently insufficient to determine the role of this variant in disease. Therefore, it has been classified as a Variant of Uncertain Significance.

Natera, Inc.
Classification: Uncertain significance for Neuronal ceroid lipofuscinosis 2. Last evaluated: 2019-11-11. Review status: no assertion criteria provided. Collection method: clinical testing. Allele origin: germline. Not counted in ClinVar's aggregate classification.